The following is an entry in ClinVar:

ClinVar aggregate classification (germline): Benign (1 of 4 stars; one submission).

Allele frequency attached by ClinVar (database versions not stated): TOPMed 0.67690; 1000 Genomes Project 0.63339; 1000 Genomes Project 30x 0.63773.
gnomAD v4.1: 104,632 of 152,104 alleles (69%); highest among the groups gnomAD compares: African/African-American, 70%; 36,229 homozygotes.

Submission:

GeneDx
Classification: Benign. Last evaluated: 2018-06-14. Review status: criteria provided, single submitter. Criteria: GeneDx Variant Classification (06012015). Collection method: clinical testing. Allele origin: germline. Affected: yes.
Comment: This variant is considered likely benign or benign based on one or more of the following criteria: it is a conservative change, it occurs at a poorly conserved position in the protein, it is predicted to be benign by multiple in silico algorithms, and/or has population frequency not consistent with disease.

NM_080916.3(DGUOK):c.256-190A>C

Gene: DGUOK (deoxyguanosine kinase; plus strand). Cytogenetic location: 2p13.1.
Variant type: single nucleotide variant.
Coding change: c.256-190A>C on transcript NM_080916.3 (MANE Select); 190 bases into the intron before coding-DNA position 256, A replaced by C.
Molecular consequence: intron variant.
Genome position (GRCh38, 1-based): chr2:73,946,529, A>C. VCF-style: chr2-73946529-A-C. GRCh37 (hg19) VCF-style: chr2-74173656-A-C.
Other names: c.-36-190A>C (NM_001318861.2, NM_001318862.2, NM_001318860.2 and 1 more transcripts); c.256-190A>C (NM_080918.3, NM_001318859.2).
Identifiers: ClinVar variation 679278 (VCV000679278.1), dbSNP rs1523828, ClinGen allele CA15158234.